The following is an entry in ClinVar:

NM_007327.4(GRIN1):c.1237C>A (p.Pro413Thr)

Gene: GRIN1 (glutamate ionotropic receptor NMDA type subunit 1; plus strand). Cytogenetic location: 9q34.3.
Variant type: single nucleotide variant.
Coding change: c.1237C>A on transcript NM_007327.4 (MANE Select); coding-DNA position 1237, C replaced by A.
Protein change: p.Pro413Thr; replaces proline 413 with threonine.
Molecular consequence: missense variant.
Genome position (GRCh38, 1-based): chr9:137,161,095, C>A. VCF-style: chr9-137161095-C-A. GRCh37 (hg19) VCF-style: chr9-140055547-C-A.
Other names: c.1237C>A, p.Pro413Thr (NM_000832.7, NM_021569.4); c.1300C>A, p.Pro434Thr (NM_001185090.2, NM_001185091.2); short protein forms P413T, P434T.
Identifiers: ClinVar variation 2431427 (VCV002431427.2), dbSNP rs2538623973, ClinGen allele CA375715914.

ClinVar aggregate classification (germline): Uncertain significance (1 of 4 stars; one submission).

Conditions:
Developmental and epileptic encephalopathy 101 (DEE101). Identifiers: MedGen C5676955, MONDO:0030727, OMIM 619814.

Submission:

Laboratorio de Genetica e Diagnostico Molecular, Hospital Israelita Albert Einstein
Classification: Uncertain significance for Developmental and epileptic encephalopathy 101. Last evaluated: 2022-11-04. Review status: criteria provided, single submitter. Criteria: ACMG Guidelines, 2015. Collection method: clinical testing. Allele origin: germline. Affected: yes.
Comment: ACMG classification criteria: PM2 moderated, PP2 supporting, BP4 supporting